The following is an entry in ClinVar:

ClinVar aggregate classification (germline): Uncertain significance. Review status: criteria provided, multiple submitters, no conflicts (2 of 4 stars). 2 submissions from 2 submitters: Uncertain significance (2). Last evaluated 2025-11-17.

Conditions:
Arrhythmogenic right ventricular dysplasia 11. Also called: Arrhythmogenic right ventricular dysplasia 11 with mild palmoplantar keratoderma and woolly hair; Arrhythmogenic Right Ventricular Dysplasia/Cardiomyopathy11; ARRHYTHMOGENIC RIGHT VENTRICULAR DYSPLASIA, FAMILIAL, 11. Identifiers: MedGen C1864850, MONDO:0012506, OMIM 610476.
Cardiomyopathy (CMYO). Also called: Cardiomyopathies. Identifiers: Orphanet 167848, MedGen C0878544, MONDO:0004994, HP:0001638. Inheritance: Various modes of inheritance.

Submissions (2):

Color Diagnostics, LLC DBA Color Health
Classification: Uncertain significance for Cardiomyopathy. Last evaluated: 2025-11-17. Review status: criteria provided, single submitter. Criteria: ACMG Guidelines, 2015. Collection method: clinical testing. Allele origin: germline.
Comment: This missense variant replaces valine with methionine at codon 750 of the DSC2 protein. Computational prediction suggests that this variant may not impact protein structure and function. To our knowledge, functional studies have not been reported for this variant. This variant has not been reported in individuals affected with DSC2-related disorders in the literature. This variant has not been identified in the general population by the Genome Aggregation Database (gnomAD). The available evidence is insufficient to determine the role of this variant in disease conclusively. Therefore, this variant is classified as a Variant of Uncertain Significance.

Labcorp Genetics (formerly Invitae), Labcorp
Classification: Uncertain significance for Arrhythmogenic right ventricular dysplasia 11. Last evaluated: 2022-10-17. Review status: criteria provided, single submitter. Criteria: Invitae Variant Classification Sherloc (09022015). Collection method: clinical testing. Allele origin: germline.
Comment: In summary, the available evidence is currently insufficient to determine the role of this variant in disease. Therefore, it has been classified as a Variant of Uncertain Significance. Algorithms developed to predict the effect of missense changes on protein structure and function output the following: SIFT: "Tolerated"; PolyPhen-2: "Benign"; Align-GVGD: "Class C0". The methionine amino acid residue is found in multiple mammalian species, which suggests that this missense change does not adversely affect protein function. ClinVar contains an entry for this variant (Variation ID: 566877). This variant has not been reported in the literature in individuals affected with DSC2-related conditions. This variant is not present in population databases (gnomAD no frequency). This sequence change replaces valine, which is neutral and non-polar, with methionine, which is neutral and non-polar, at codon 750 of the DSC2 protein (p.Val750Met).

NM_024422.6(DSC2):c.2248G>A (p.Val750Met)

Gene: DSC2 (desmocollin 2; minus strand). Cytogenetic location: 18q12.1.
Variant type: single nucleotide variant.
Coding change: c.2248G>A on transcript NM_024422.6 (MANE Select); coding-DNA position 2248, G replaced by A.
Protein change: p.Val750Met; replaces valine 750 with methionine.
Molecular consequence: missense variant.
Genome position (GRCh38, 1-based): chr18:31,070,728, C>T on the plus strand (G>A on the coding strand, the complement: DSC2 is on the minus strand). VCF-style: chr18-31070728-C-T. GRCh37 (hg19) VCF-style: chr18-28650694-C-T.
Other names: c.2248G>A, p.Val750Met (NM_004949.5); short protein forms V750M.
Identifiers: ClinVar variation 566877 (VCV000566877.8), dbSNP rs753775769, ClinGen allele CA402112273.
Genomic context (GRCh38, chr18:31,070,728, plus strand): 5'-AATACGCATTATAAGCGAATTCATCCTTTGTATTTATTTAAAAAGCCAGACTACTTACCA[C>T]TTTGTCATCTCCAGGAGCTTCTGTGTTTGATACAATTAGGTTCTGCTGGGCTAAATCATC-3'
Protein context (NP_077740.1, residues 740-760): SNTEAPGDDK[Val750Met]YSANGFTTQT